The following is an entry in ClinVar:

NM_003579.4(RAD54L):c.835C>G (p.Arg279Gly)

Gene: RAD54L (RAD54 like; plus strand). Cytogenetic location: 1p34.1.
Variant type: single nucleotide variant.
Coding change: c.835C>G on transcript NM_003579.4 (MANE Select); coding-DNA position 835, C replaced by G.
Protein change: p.Arg279Gly; replaces arginine 279 with glycine.
Molecular consequence: missense variant.
Genome position (GRCh38, 1-based): chr1:46,261,329, C>G. VCF-style: chr1-46261329-C-G. GRCh37 (hg19) VCF-style: chr1-46727001-C-G.
Other names: c.835C>G, p.Arg279Gly (NM_001142548.2); c.295C>G, p.Arg99Gly (NM_001370766.1); short protein forms R279G, R99G.
Identifiers: ClinVar variation 1763073 (VCV001763073.2), dbSNP rs766711957, ClinGen allele CA834385.

ClinVar aggregate classification (germline): Uncertain significance (1 of 4 stars; one submission).

gnomAD v4.1: 3 of 1,613,872 alleles (0.00019%); highest among the groups gnomAD compares: Non-Finnish European, 0.00017%; no homozygotes.

Submission:

Ambry Genetics
Classification: Uncertain significance. Last evaluated: 2021-09-20. Review status: criteria provided, single submitter. Criteria: Ambry Variant Classification Scheme 2023. Collection method: clinical testing. Allele origin: germline.
Comment: The p.R279G variant (also known as c.835C>G), located in coding exon 8 of the RAD54L gene, results from a C to G substitution at nucleotide position 835. The arginine at codon 279 is replaced by glycine, an amino acid with dissimilar properties. This amino acid position is conserved. In addition, this alteration is predicted to be deleterious by in silico analysis. Since supporting evidence is limited at this time, the clinical significance of this alteration remains unclear.